The following is an entry in ClinVar:

ClinVar aggregate classification (germline): Likely benign. Review status: criteria provided, multiple submitters, no conflicts (2 of 4 stars). 5 submissions from 5 submitters: Likely benign (5). Last evaluated 2026-01-19.

Conditions:
NTRK1-related disorder. Also called: NTRK1-related condition.
Hereditary insensitivity to pain with anhidrosis (CIPA). Also called: INSENSITIVITY TO PAIN, CONGENITAL, WITH ANHIDROSIS; NTRK1 Congenital Insensitivity to Pain with Anhidrosis; hereditary sensory and autonomic neuropathy type 4; HSAN Type IV; FAMILIAL DYSAUTONOMIA, TYPE II; NEUROPATHY, CONGENITAL SENSORY, WITH ANHIDROSIS. Identifiers: Orphanet 642, MedGen C0020074, MONDO:0009746, OMIM 256800.
Inborn genetic diseases. Identifiers: MedGen C0950123, MeSH D030342.

Allele frequency attached by ClinVar (database versions not stated): gnomAD 0.00001 and 0.00003; ExAC 0.00005; gnomAD exomes 0.00005 and 0.00009; TOPMed 0.00007; ESP Exome Variant Server 0.00008; 1000 Genomes Project 30x 0.00016; 1000 Genomes Project 0.00020.
gnomAD v4.1: 137 of 1,613,422 alleles (0.0085%); highest among the groups gnomAD compares: East Asian, 0.04%; 1 homozygote.

Submissions (5):

Labcorp Genetics (formerly Invitae), Labcorp
Classification: Likely benign for Hereditary insensitivity to pain with anhidrosis. Last evaluated: 2026-01-19. Review status: criteria provided, single submitter. Criteria: Invitae Variant Classification Sherloc (09022015). Collection method: clinical testing. Allele origin: germline.

PreventionGenetics, part of Exact Sciences
Classification: Likely benign for NTRK1-related condition. Last evaluated: 2025-07-15. Review status: criteria provided, single submitter. Criteria: ACMG Guidelines, 2015. Collection method: clinical testing. Allele origin: germline.
Comment: This variant is classified as likely benign based on ACMG/AMP sequence variant interpretation guidelines (Richards et al. 2015 PMID: 25741868, with internal and published modifications).

Blueprint Genetics
Classification: Likely benign. Last evaluated: 2024-09-02. Review status: criteria provided, single submitter. Criteria: ACMG Guidelines, 2015. Collection method: clinical testing. Allele origin: germline.

Genome-Nilou Lab
Classification: Likely benign for Hereditary insensitivity to pain with anhidrosis. Last evaluated: 2023-04-11. Review status: criteria provided, single submitter. Criteria: ACMG Guidelines, 2015. Collection method: clinical testing. Allele origin: germline. Affected: no.

Ambry Genetics
Classification: Likely benign for Inborn genetic diseases. Last evaluated: 2019-07-11. Review status: criteria provided, single submitter. Criteria: Ambry Variant Classification Scheme 2023. Collection method: clinical testing. Allele origin: germline.

NM_002529.4(NTRK1):c.2088C>T (p.Pro696=)

Gene: NTRK1 (neurotrophic receptor tyrosine kinase 1; plus strand). Cytogenetic location: 1q23.1.
Variant type: single nucleotide variant.
Coding change: c.2088C>T on transcript NM_002529.4 (MANE Select); coding-DNA position 2088, C replaced by T.
Protein change: p.Pro696=; no amino-acid change (proline 696 retained).
Molecular consequence: synonymous variant.
Genome position (GRCh38, 1-based): chr1:156,880,040, C>T. VCF-style: chr1-156880040-C-T. GRCh37 (hg19) VCF-style: chr1-156849832-C-T.
Other names: c.2088C>T (NM_002529.3); c.1980C>T, p.Pro660= (NM_001007792.1); c.2070C>T, p.Pro690= (NM_001012331.2).
Identifiers: ClinVar variation 526738 (VCV000526738.16), dbSNP rs56008523, ClinGen allele CA1169565.
Genomic context (GRCh38, chr1:156,880,040, plus strand): 5'-CAGTGTCCGCCCGTGGCAGGTGGGAGGCCGCACCATGCTGCCCATTCGCTGGATGCCGCC[C>T]GAGAGCATCCTGTACCGTAAGTTCACCACCGAGAGCGACGTGTGGAGCTTCGGCGTGGTG-3'
Protein context (NP_002520.2, residues 686-706): RTMLPIRWMP[Pro696=]ESILYRKFTT